The following is an entry in ClinVar:

NM_001077365.2(POMT1):c.93del (p.Trp32fs)

Gene: POMT1 (protein O-mannosyltransferase 1; plus strand). Cytogenetic location: 9q34.13.
Variant type: Deletion.
Coding change: c.93del on transcript NM_001077365.2 (MANE Select); coding-DNA position 93, one base deleted (G; older notation c.93delG).
Protein change: p.Trp32fs; shifts the reading frame from tryptophan 32.
Molecular consequence: frameshift variant. On other transcripts: non-coding transcript variant (4), intron variant (10), 5 prime UTR variant (4).
Genome position (GRCh38, 1-based): chr9:131,504,311, G deleted. VCF-style (leftmost placement, unchanged base first): chr9-131504310-TG-T. GRCh37 (hg19) VCF-style: chr9-134379697-TG-T.
Other names: c.-41+998del (NM_001353194.2); c.-72+998del (NM_001374691.1); c.-41+1238del (NM_001374689.1, NM_001353197.2, NM_001077366.2 and 1 more transcripts); c.-123+1238del (NM_001353199.2, NM_001136114.2); c.-761+1238del (NM_001411024.1); c.-81+1238del (NM_001353200.2); c.93del, p.Trp32fs (NM_001136113.2, NM_001353193.2, NM_001353196.2 and 2 more transcripts); c.-152del (NM_001353195.2); and 3 more; short protein forms W32fs.
Identifiers: ClinVar variation 2949972 (VCV002949972.3), dbSNP rs2539021943, ClinGen allele CA2740092864.

ClinVar aggregate classification (germline): Pathogenic (1 of 4 stars; one submission).

Conditions:
Walker-Warburg congenital muscular dystrophy. Also called: Muscular dystrophy-dystroglycanopathy, type A; Walker-Warburg syndrome. Identifiers: Orphanet 899, MedGen C0265221, MONDO:0000171.
Muscular dystrophy-dystroglycanopathy (congenital with impaired intellectual development), type B, 1. Also called: MUSCULAR DYSTROPHY, CONGENITAL, POMT1-RELATED; Muscular dystrophy-dystroglycanopathy (congenital with intellectual disability), type B1. Identifiers: MedGen C5436962, MONDO:0013159, OMIM 613155.
Autosomal recessive limb-girdle muscular dystrophy type 2K. Also called: MUSCULAR DYSTROPHY-DYSTROGLYCANOPATHY (LIMB-GIRDLE), TYPE C, 1; MUSCULAR DYSTROPHY, LIMB-GIRDLE, TYPE 2K. Identifiers: Orphanet 86812, MedGen C1836373, MONDO:0012248, OMIM 609308.

Submission:

Labcorp Genetics (formerly Invitae), Labcorp
Classification: Pathogenic for Muscular dystrophy-dystroglycanopathy (congenital with impaired intellectual development), type B, 1; Walker-Warburg congenital muscular dystrophy; Autosomal recessive limb-girdle muscular dystrophy type 2K. Last evaluated: 2023-07-17. Review status: criteria provided, single submitter. Criteria: Invitae Variant Classification Sherloc (09022015). Collection method: clinical testing. Allele origin: germline.
Comment: This sequence change creates a premature translational stop signal (p.Trp32Glyfs*24) in the POMT1 gene. It is expected to result in an absent or disrupted protein product. Loss-of-function variants in POMT1 are known to be pathogenic (PMID: 12369018, 15637732, 16575835). This variant is not present in population databases (gnomAD no frequency). This variant has not been reported in the literature in individuals affected with POMT1-related conditions. For these reasons, this variant has been classified as Pathogenic.

Literature cited by the submitters: PubMed 12369018; PubMed 15637732; PubMed 16575835.